The following is an entry in ClinVar:

ClinVar aggregate classification (germline): Pathogenic/Likely pathogenic. Review status: criteria provided, multiple submitters, no conflicts (2 of 4 stars). 3 submissions from 3 submitters: Pathogenic (1); Likely pathogenic (2). Last evaluated 2016-12-29.

Conditions:
Cardio-facio-cutaneous syndrome. Also called: Cardiofaciocutaneous syndrome; CFC syndrome. Identifiers: Orphanet 1340, MedGen C1275081, MONDO:0015280. Disease mechanism: gain of function.
Noonan syndrome and Noonan-related syndrome. Identifiers: Orphanet 98733, MedGen C5681679, MONDO:0020297.

Submissions (3):

Genome Diagnostics Laboratory, The Hospital for Sick Children
Classification: Pathogenic for Noonan syndrome and Noonan-related syndrome. Last evaluated: 2016-12-29. Review status: criteria provided, single submitter. Criteria: ACMG Guidelines, 2015. Collection method: clinical testing. Allele origin: germline. Affected: yes.

Molecular Diagnostics Lab, Nemours Children's Health, Delaware
Classification: Likely pathogenic. Last evaluated: 2015-07-22. Review status: criteria provided, single submitter. Criteria: ACMG Guidelines, 2015. Collection method: clinical testing. Allele origin: de novo. Affected: yes. Observed: 1 variant allele.

Laboratory for Molecular Medicine, Mass General Brigham Personalized Medicine
Classification: Likely pathogenic for Cardio-facio-cutaneous syndrome. Last evaluated: 2012-10-17. Review status: criteria provided, single submitter. Criteria: LMM Criteria. Collection method: clinical testing. Allele origin: germline. Inheritance: Autosomal dominant inheritance. Observed: 1 variant allele.
Comment: The Asp565Glu variant in BRAF has been reported in one individual with clinical features of Cardio-facio-cutaneous syndrome (CFC; Gripp 2007). This variant was reported to have occurred de novo. In summary, this variant is likely pathogen ic, though additional studies are required to fully establish its clinical signi ficance.

Literature cited by the submitters: PubMed 16474404 (cited by Molecular Diagnostics Lab, Nemours Children's Health, Delaware); PubMed 16439621 (cited by Molecular Diagnostics Lab, Nemours Children's Health, Delaware); PubMed 17551924 (cited by Molecular Diagnostics Lab, Nemours Children's Health, Delaware and Laboratory for Molecular Medicine, Mass General Brigham Personalized Medicine).

NM_004333.6(BRAF):c.1695T>G (p.Asp565Glu)

Gene: BRAF (B-Raf proto-oncogene, serine/threonine kinase; minus strand). Cytogenetic location: 7q34.
Variant type: single nucleotide variant.
Coding change: c.1695T>G on transcript NM_004333.6 (MANE Select); coding-DNA position 1695, T replaced by G.
Protein change: p.Asp565Glu; replaces aspartic acid 565 with glutamic acid.
Molecular consequence: missense variant.
Genome position (GRCh38, 1-based): chr7:140,754,233, A>C on the plus strand (T>G on the coding strand, the complement: BRAF is on the minus strand). VCF-style: chr7-140754233-A-C. GRCh37 (hg19) VCF-style: chr7-140454033-A-C.
Other names: c.1695T>G, p.Asp565Glu (NM_001354609.2, NM_001378468.1, NM_001378474.1); c.1815T>G, p.Asp605Glu (NM_001374244.1, NM_001374258.1); c.1704T>G, p.Asp568Glu (NM_001378467.1); c.1629T>G, p.Asp543Glu (NM_001378469.1); c.1593T>G, p.Asp531Glu (NM_001378470.1); c.1584T>G, p.Asp528Glu (NM_001378471.1); c.1539T>G, p.Asp513Glu (NM_001378472.1, NM_001378473.1); c.1431T>G, p.Asp477Glu (NM_001378475.1); short protein forms D565E, D477E, D513E, D543E, D568E, D531E, D605E, D528E.
Identifiers: ClinVar variation 40383 (VCV000040383.12), dbSNP rs397507480, ClinGen allele CA280016.